The following is an entry in ClinVar:

NM_017644.3(KLHL24):c.582T>A (p.Thr194=)

Gene: KLHL24 (kelch like family member 24; plus strand). Cytogenetic location: 3q27.1.
Variant type: single nucleotide variant.
Coding change: c.582T>A on transcript NM_017644.3 (MANE Select); coding-DNA position 582, T replaced by A.
Protein change: p.Thr194=; no amino-acid change (threonine 194 retained).
Molecular consequence: synonymous variant. On other transcripts: 5 prime UTR variant (2), non-coding transcript variant (2).
Genome position (GRCh38, 1-based): chr3:183,650,938, T>A. VCF-style: chr3-183650938-T-A. GRCh37 (hg19) VCF-style: chr3-183368726-T-A.
Other names: c.582T>A, p.Thr194= (NM_001349413.1, NM_001349414.1, NM_001349415.1 and 11 more transcripts); c.-385T>A (NM_001349428.1, NM_001349429.1).
Identifiers: ClinVar variation 1600773 (VCV001600773.10), dbSNP rs201811928, ClinGen allele CA2721587.
Genomic context (GRCh38, chr3:183,650,938, plus strand): 5'-TGCTGATACCCATTCACTCAAAACACTCTTCACAAAATGCAAAAATTTTGCGTTACAGAC[T>A]TTTGAGGATGTATCCCAGCACGAAGAATTTCTTGAGCTTGACAAAGATGAACTTATTGAT-3'
Protein context (NP_060114.2, residues 184-204): FTKCKNFALQ[Thr194=]FEDVSQHEEF

ClinVar aggregate classification (germline): Benign/Likely benign. Review status: criteria provided, multiple submitters, no conflicts (2 of 4 stars). 3 submissions from 3 submitters: Benign (2); Likely benign (1). Last evaluated 2026-03-19.

Conditions:
KLHL24-related disorder. Also called: KLHL24-related condition.

Allele frequency attached by ClinVar (database versions not stated): gnomAD 0.00009; gnomAD exomes 0.00010 and 0.00049; 1000 Genomes Project 30x 0.00016; TOPMed 0.00016; 1000 Genomes Project 0.00020; ExAC 0.00044.
gnomAD v4.1: 149 of 1,614,218 alleles (0.0092%); highest among the groups gnomAD compares: Admixed American, 0.24%; no homozygotes.

Submissions (3):

PreventionGenetics, part of Exact Sciences
Classification: Likely benign for KLHL24-related condition. Last evaluated: 2026-03-19. Review status: criteria provided, single submitter. Criteria: ACMG Guidelines, 2015. Collection method: clinical testing. Allele origin: germline.
Comment: This variant is classified as likely benign based on ACMG/AMP sequence variant interpretation guidelines (Richards et al. 2015 PMID: 25741868, with internal and published modifications).

Labcorp Genetics (formerly Invitae), Labcorp
Classification: Benign. Last evaluated: 2025-08-11. Review status: criteria provided, single submitter. Criteria: Invitae Variant Classification Sherloc (09022015). Collection method: clinical testing. Allele origin: germline.

Breakthrough Genomics
Classification: Benign. Review status: criteria provided, single submitter. Criteria: ACMG Guidelines, 2015. Collection method: not provided. Allele origin: germline. Inheritance: Autosomal dominant inheritance. Affected: yes.